The following is an entry in ClinVar:

ClinVar aggregate classification (germline): Uncertain significance (1 of 4 stars; one submission).

Conditions:
Desmin-related myofibrillar myopathy (MFM1). Also called: Desminopathy; MYOFIBRILLAR MYOPATHY WITH ARRHYTHMOGENIC RIGHT VENTRICULAR CARDIOMYOPATHY; DESMIN-RELATED MYOPATHY WITH ARRHYTHMOGENIC RIGHT VENTRICULAR CARDIOMYOPATHY; Myofibrillar myopathy 1; Desmin related myopathy (former name); Desmin storage myopathy (former name). Identifiers: Orphanet 363543, Orphanet 98909, MedGen C1832370, MONDO:0011076, OMIM 601419.

Allele frequency attached by ClinVar (database versions not stated): gnomAD exomes below 0.00001 and 0.00001; ExAC 0.00001.
gnomAD v4.1: 3 of 1,614,066 alleles (0.00019%); highest among the groups gnomAD compares: South Asian, 0.0033%; no homozygotes.

Submission:

Labcorp Genetics (formerly Invitae), Labcorp
Classification: Uncertain significance for Desmin-related myofibrillar myopathy. Last evaluated: 2018-06-25. Review status: criteria provided, single submitter. Criteria: Invitae Variant Classification Sherloc (09022015). Collection method: clinical testing. Allele origin: germline.
Comment: This sequence change replaces glutamine with arginine at codon 280 of the DES protein (p.Gln280Arg). The glutamine residue is highly conserved and there is a small physicochemical difference between glutamine and arginine. In summary, the available evidence is currently insufficient to determine the role of this variant in disease. Therefore, it has been classified as a Variant of Uncertain Significance. Algorithms developed to predict the effect of sequence changes on RNA splicing suggest that this variant may create or strengthen a splice site, but this prediction has not been confirmed by published transcriptional studies. Algorithms developed to predict the effect of missense changes on protein structure and function are either unavailable or do not agree on the potential impact of this missense change (SIFT: "Tolerated"; PolyPhen-2: "Probably Damaging"; Align-GVGD: "Class C0"). This variant has not been reported in the literature in individuals with DES-related disease. This variant is present in population databases (rs750160975, ExAC 0.006%).

NM_001927.4(DES):c.839A>G (p.Gln280Arg)

Gene: DES (desmin; plus strand). Cytogenetic location: 2q35.
Variant type: single nucleotide variant.
Coding change: c.839A>G on transcript NM_001927.4 (MANE Select); coding-DNA position 839, A replaced by G.
Protein change: p.Gln280Arg; replaces glutamine 280 with arginine.
Molecular consequence: missense variant.
Genome position (GRCh38, 1-based): chr2:219,420,598, A>G. VCF-style: chr2-219420598-A-G. GRCh37 (hg19) VCF-style: chr2-220285320-A-G.
Other names: c.839A>G (LRG_380t1); short protein forms Q280R.
Identifiers: ClinVar variation 571871 (VCV000571871.9), dbSNP rs750160975, ClinGen allele CA2125164.
Genomic context (GRCh38, chr2:219,420,598, plus strand): 5'-AGGTGGAGATGGACATGTCTAAGCCAGACCTCACTGCCGCCCTCAGGGACATCCGGGCTC[A>G]GTATGAGACCATCGCGGCTAAGAACATTTCTGAAGCTGAGGAGTGGTACAAGTCGAAGGT-3'
Protein context (NP_001918.3, residues 270-290): LTAALRDIRA[Gln280Arg]YETIAAKNIS